The following is an entry in ClinVar:

ClinVar aggregate classification (germline): Uncertain significance (1 of 4 stars; one submission).

Conditions:
Cohen syndrome (COH1). Also called: PEPPER SYNDROME; Cutis verticis gyrata, retinitis pigmentosa, and sensorineural deafness. Identifiers: Orphanet 193, MedGen C0265223, MONDO:0008999, OMIM 216550.

Submission:

Labcorp Genetics (formerly Invitae), Labcorp
Classification: Uncertain significance for Cohen syndrome. Last evaluated: 2022-06-20. Review status: criteria provided, single submitter. Criteria: Invitae Variant Classification Sherloc (09022015). Collection method: clinical testing. Allele origin: germline.
Comment: This sequence change replaces valine, which is neutral and non-polar, with alanine, which is neutral and non-polar, at codon 2115 of the VPS13B protein (p.Val2115Ala). This variant is not present in population databases (gnomAD no frequency). This variant has not been reported in the literature in individuals affected with VPS13B-related conditions. ClinVar contains an entry for this variant (Variation ID: 1040860). Algorithms developed to predict the effect of missense changes on protein structure and function output the following: SIFT: "Not Available"; PolyPhen-2: "Benign"; Align-GVGD: "Not Available". The alanine amino acid residue is found in multiple mammalian species, which suggests that this missense change does not adversely affect protein function. In summary, the available evidence is currently insufficient to determine the role of this variant in disease. Therefore, it has been classified as a Variant of Uncertain Significance.

NM_152564.5(VPS13B):c.6269T>C (p.Val2090Ala)

Gene: VPS13B (vacuolar protein sorting 13 homolog B; plus strand). Cytogenetic location: 8q22.2.
Variant type: single nucleotide variant.
Coding change: c.6269T>C on transcript NM_152564.5 (MANE Select); coding-DNA position 6269, T replaced by C.
Protein change: p.Val2090Ala; replaces valine 2090 with alanine.
Molecular consequence: missense variant.
Genome position (GRCh38, 1-based): chr8:99,699,747, T>C. VCF-style: chr8-99699747-T-C. GRCh37 (hg19) VCF-style: chr8-100711975-T-C.
Other names: c.6344T>C, p.Val2115Ala (NM_017890.5); short protein forms V2115A, V2090A.
Identifiers: ClinVar variation 1040860 (VCV001040860.6), dbSNP rs1832191327, ClinGen allele CA371874798.